The following is an entry in ClinVar:

ClinVar aggregate classification (germline): Pathogenic. Review status: criteria provided, multiple submitters, no conflicts (2 of 4 stars). 3 submissions from 3 submitters: Pathogenic (3). Last evaluated 2026-04-01.

Conditions:
Neurofibromatosis, type 1 (NF1). Also called: VON RECKLINGHAUSEN DISEASE; Neurofibromatosis, type I; NEUROFIBROMATOSIS, TYPE I, SOMATIC; Peripheral type neurofibromatosis. Identifiers: Orphanet 636, MedGen C0027831, MONDO:0018975, OMIM 162200. Disease mechanism: loss of function.

Submissions (3):

Department of Genetics, Sultan Qaboos University Hospital
Classification: Pathogenic for Neurofibromatosis, type 1. Last evaluated: 2026-04-01. Review status: criteria provided, single submitter. Criteria: ACMG Guidelines, 2015. Collection method: clinical testing. Allele origin: germline. Affected: yes. Observed: 1 variant allele.
Comment: PVS1,PM2,PP5_Very_Strong

Labcorp Genetics (formerly Invitae), Labcorp
Classification: Pathogenic for Neurofibromatosis, type 1. Last evaluated: 2024-02-29. Review status: criteria provided, single submitter. Criteria: Invitae Variant Classification Sherloc (09022015). Collection method: clinical testing. Allele origin: germline.
Comment: This sequence change creates a premature translational stop signal (p.Pro458Glnfs*15) in the NF1 gene. It is expected to result in an absent or disrupted protein product. Loss-of-function variants in NF1 are known to be pathogenic (PMID: 10712197, 23913538). This variant is not present in population databases (gnomAD no frequency). This premature translational stop signal has been observed in individual(s) with neurofibromatosis, type 1 (PMID: 31717729). ClinVar contains an entry for this variant (Variation ID: 1074019). For these reasons, this variant has been classified as Pathogenic.

GeneDx
Classification: Pathogenic. Last evaluated: 2023-07-20. Review status: criteria provided, single submitter. Criteria: GeneDx Variant Classification Process June 2021. Collection method: clinical testing. Allele origin: germline. Affected: yes.
Comment: Frameshift variant predicted to result in protein truncation or nonsense mediated decay in a gene for which loss of function is a known mechanism of disease; Not observed at significant frequency in large population cohorts (gnomAD); This variant is associated with the following publications: (PMID: 23913538, 10712197, 31717729)

Literature cited by the submitters: PubMed 10712197 (cited by Labcorp Genetics (formerly Invitae), Labcorp); PubMed 23913538 (cited by Labcorp Genetics (formerly Invitae), Labcorp); PubMed 31717729 (cited by Labcorp Genetics (formerly Invitae), Labcorp).

NM_001042492.3(NF1):c.1373del (p.Pro458fs)

Gene: NF1 (neurofibromin 1; plus strand). Cytogenetic location: 17q11.2.
Variant type: Deletion.
Coding change: c.1373del on transcript NM_001042492.3 (MANE Select); coding-DNA position 1373, one base deleted (C; older notation c.1373delC).
Protein change: p.Pro458fs; shifts the reading frame from proline 458.
Molecular consequence: frameshift variant.
Genome position (GRCh38, 1-based): chr17:31,206,352, C deleted; the last of 3 consecutive C bases (chr17:31,206,350-31,206,352); deleting any one gives the same sequence. VCF-style (leftmost placement, unchanged base first): chr17-31206349-AC-A. GRCh37 (hg19) VCF-style: chr17-29533367-AC-A.
Other names: c.1373del (NM_001042492.2); c.1373delC, p.Pro458Glnfs (NM_000267.4, NM_001042492.2); c.1373del, p.Pro458fs (NM_001128147.3); short protein forms P458fs.
Identifiers: ClinVar variation 1074019 (VCV001074019.7), dbSNP rs2143915236, ClinGen allele CA2499224031.